The following is an entry in ClinVar:

ClinVar aggregate classification (germline): Uncertain significance (1 of 4 stars; one submission).

gnomAD v4.1: 1 of 1,614,240 alleles (0.000062%); highest among the groups gnomAD compares: Admixed American, 0.0017%; no homozygotes.

Submission:

Labcorp Genetics (formerly Invitae), Labcorp
Classification: Uncertain significance. Last evaluated: 2025-03-19. Review status: criteria provided, single submitter. Criteria: Invitae Variant Classification Sherloc (09022015). Collection method: clinical testing. Allele origin: germline.
Comment: This sequence change replaces threonine, which is neutral and polar, with alanine, which is neutral and non-polar, at codon 1275 of the A2ML1 protein (p.Thr1275Ala). This variant is present in population databases (rs755314364, gnomAD 0.006%). This variant has not been reported in the literature in individuals affected with A2ML1-related conditions. An algorithm developed to predict the effect of missense changes on protein structure and function (PolyPhen-2) suggests that this variant is likely to be tolerated. In summary, the available evidence is currently insufficient to determine the role of this variant in disease. Therefore, it has been classified as a Variant of Uncertain Significance.

NM_144670.6(A2ML1):c.3823A>G (p.Thr1275Ala)

Gene: A2ML1 (alpha-2-macroglobulin like 1; plus strand). Cytogenetic location: 12p13.31.
Variant type: single nucleotide variant.
Coding change: c.3823A>G on transcript NM_144670.6 (MANE Select); coding-DNA position 3823, A replaced by G.
Protein change: p.Thr1275Ala; replaces threonine 1275 with alanine.
Molecular consequence: missense variant.
Genome position (GRCh38, 1-based): chr12:8,867,947, A>G. VCF-style: chr12-8867947-A-G. GRCh37 (hg19) VCF-style: chr12-9020543-A-G.
Other names: c.2350A>G, p.Thr784Ala (NM_001282424.3); short protein forms T784A, T1275A.
Identifiers: ClinVar variation 4724768 (VCV004724768.1).